The following is an entry in ClinVar:

NM_025137.4(SPG11):c.415C>G (p.Gln139Glu)

Gene: SPG11 (SPG11 vesicle trafficking associated, spatacsin; minus strand). Cytogenetic location: 15q21.1.
Variant type: single nucleotide variant.
Coding change: c.415C>G on transcript NM_025137.4 (MANE Select); coding-DNA position 415, C replaced by G.
Protein change: p.Gln139Glu; replaces glutamine 139 with glutamic acid.
Molecular consequence: missense variant.
Genome position (GRCh38, 1-based): chr15:44,660,459, G>C on the plus strand (C>G on the coding strand, the complement: SPG11 is on the minus strand). VCF-style: chr15-44660459-G-C. GRCh37 (hg19) VCF-style: chr15-44952657-G-C.
Other names: c.415C>G, p.Gln139Glu (NM_001160227.2, NM_001411132.1); short protein forms Q139E.
Identifiers: ClinVar variation 2039587 (VCV002039587.4), dbSNP rs2505775686, ClinGen allele CA392238118.
Genomic context (GRCh38, chr15:44,660,459, plus strand): 5'-AAATATGCTGAAAGACCACCTGTAGATACTTACTGATATCTTGATCGTCAATGAGCTTTT[G>C]CAATGCCTCCCTACTACAGCTATACAAAATGGTTGCATCACATCTTCCATCTTTCAAATT-3'
Protein context (NP_079413.3, residues 129-149): ILYSCSREAL[Gln139Glu]KLIDDQDISI

ClinVar aggregate classification (germline): Uncertain significance (1 of 4 stars; one submission).

Conditions:
Hereditary spastic paraplegia 11. Also called: SPASTIC PARAPLEGIA, AUTOSOMAL RECESSIVE, COMPLICATED, WITH THIN CORPUS CALLOSUM; SPASTIC PARAPLEGIA, AUTOSOMAL RECESSIVE, WITH MENTAL IMPAIRMENT AND THIN CORPUS CALLOSUM; Spastic Paraplegia 11; Spastic paraplegia, mental retardation and thin corpus callosum; Nakamura Osame syndrome; Autosomal recessive hereditary spastic paraplegia, mental impairment, and thin corpus callosum. Identifiers: Orphanet 2822, MedGen C1858479, MONDO:0011445, OMIM 604360.

Submission:

Labcorp Genetics (formerly Invitae), Labcorp
Classification: Uncertain significance for Hereditary spastic paraplegia 11. Last evaluated: 2022-01-16. Review status: criteria provided, single submitter. Criteria: Invitae Variant Classification Sherloc (09022015). Collection method: clinical testing. Allele origin: germline.
Comment: This sequence change replaces glutamine, which is neutral and polar, with glutamic acid, which is acidic and polar, at codon 139 of the SPG11 protein (p.Gln139Glu). This variant is not present in population databases (gnomAD no frequency). This variant has not been reported in the literature in individuals affected with SPG11-related conditions. Algorithms developed to predict the effect of missense changes on protein structure and function (SIFT, PolyPhen-2, Align-GVGD) all suggest that this variant is likely to be tolerated. In summary, the available evidence is currently insufficient to determine the role of this variant in disease. Therefore, it has been classified as a Variant of Uncertain Significance.